The following is an entry in ClinVar:

NM_002617.4(PEX10):c.498C>T (p.Val166=)

Gene: PEX10 (peroxisomal biogenesis factor 10; minus strand). Cytogenetic location: 1p36.32.
Variant type: single nucleotide variant.
Coding change: c.498C>T on transcript NM_002617.4 (MANE Select); coding-DNA position 498, C replaced by T.
Protein change: p.Val166=; no amino-acid change (valine 166 retained).
Molecular consequence: synonymous variant. On other transcripts: non-coding transcript variant (1).
Genome position (GRCh38, 1-based): chr1:2,408,554, G>A on the plus strand (C>T on the coding strand, the complement: PEX10 is on the minus strand). VCF-style: chr1-2408554-G-A. GRCh37 (hg19) VCF-style: chr1-2339993-G-A.
Other names: c.498C>T (NM_153818.1); c.498C>T, p.Val166= (NM_001374425.1, NM_153818.2); c.66C>T, p.Val22= (NM_001374426.1, NM_001374427.1).
Identifiers: ClinVar variation 1103381 (VCV001103381.9), dbSNP rs759306542, ClinGen allele CA538151.
Genomic context (GRCh38, chr1:2,408,554, plus strand): 5'-ACCGTGGATGTAAAACCAGGCAACATGTAGCCGCTGGAGGCAGGCGAGGCCCTGTCTGAG[G>A]ACGAAGACCGCCCGCAGCAGCGCCCTCCTCTGCTGCTCAGTCAGGGTGGCCGTGTGGTGA-3'
Protein context (NP_002608.1, residues 156-176): QRRALLRAVF[Val166=]LRQGLACLQR

ClinVar aggregate classification (germline): Likely benign. Review status: criteria provided, single submitter (1 of 4 stars). 2 submissions from 2 submitters: Likely benign (1). 1 of the submissions does not count toward it. Last evaluated 2025-12-27.

Conditions:
PEX10-related disorder. Also called: PEX10-related condition.
Peroxisome biogenesis disorder, complementation group 7 (CG7). Also called: Peroxisome biogenesis disorder, complementation group B. Identifiers: MedGen C1864399.

Allele frequency attached by ClinVar (database versions not stated): gnomAD 0.00001; TOPMed 0.00003; ExAC 0.00005; gnomAD exomes 0.00006 and 0.00001.

Submissions (2):

Labcorp Genetics (formerly Invitae), Labcorp
Classification: Likely benign for Peroxisome biogenesis disorder, complementation group 7. Last evaluated: 2025-12-27. Review status: criteria provided, single submitter. Criteria: Invitae Variant Classification Sherloc (09022015). Collection method: clinical testing. Allele origin: germline.

PreventionGenetics, part of Exact Sciences
Classification: Likely benign for PEX10-related condition. Last evaluated: 2021-09-15. Review status: no assertion criteria provided. Collection method: clinical testing. Allele origin: germline. Not counted in ClinVar's aggregate classification.
Comment: This variant is classified as likely benign based on ACMG/AMP sequence variant interpretation guidelines (Richards et al. 2015 PMID: 25741868, with internal and published modifications).